The following is an entry in ClinVar:

ClinVar aggregate classification (germline): Benign/Likely benign. Review status: criteria provided, multiple submitters, no conflicts (2 of 4 stars). 2 submissions from 2 submitters: Benign (1); Likely benign (1). Last evaluated 2026-06-17.

Conditions:
DLX6-related disorder. Also called: DLX6-related condition.

Submissions (2):

PreventionGenetics, part of Exact Sciences
Classification: Likely benign for DLX6-related condition. Last evaluated: 2026-06-17. Review status: criteria provided, single submitter. Criteria: ACMG Guidelines, 2015. Collection method: clinical testing. Allele origin: germline.
Comment: This variant is classified as likely benign based on ACMG/AMP sequence variant interpretation guidelines (Richards et al. 2015 PMID: 25741868, with internal and published modifications).

Labcorp Genetics (formerly Invitae), Labcorp
Classification: Benign. Last evaluated: 2025-12-14. Review status: criteria provided, single submitter. Criteria: Invitae Variant Classification Sherloc (09022015). Collection method: clinical testing. Allele origin: germline.

NM_005222.4(DLX6):c.75GCA[7] (p.Gln44del)

Genes: DLX6 (distal-less homeobox 6; plus strand), DLX6-AS1 (DLX6 antisense RNA 1; minus strand). Cytogenetic location: 7q21.3.
Variant type: Microsatellite.
Coding change: c.75GCA[7] on transcript NM_005222.4 (MANE Select); seven copies in a row of the 3-base unit GCA starting at c.75; the reference has eight copies in a row; one copy, 3 bases deleted.
Protein change: p.Gln44del; deletes glutamine 44.
Molecular consequence: inframe deletion.
Genome position (GRCh38, 1-based): chr7:97,006,073-97,006,075, GCA deleted; deleting any 3 consecutive bases within chr7:97,006,052-97,006,075 gives the same sequence; the position shown is the placement nearest the transcript's 3' end. VCF-style (leftmost placement, unchanged base first): chr7-97006051-GGCA-G. GRCh37 (hg19) VCF-style: chr7-96635363-GGCA-G.
Other names: c.96_98delGCA (NM_005222.3); short protein forms Q44del.
Identifiers: ClinVar variation 1660081 (VCV001660081.9), dbSNP rs530625473, ClinGen allele CA4353679.
Genomic context (GRCh38, chr7:97,006,051, plus strand): 5'-CTACGATGGCTGACGGCTTGGAAGGCCAGGACTCGTCCAAATCCGCCTTCATGGAGTTCG[GGCA>G]GCAGCAGCAGCAGCAGCAGCAACAGCAGCAGCAGCAGCAGCAGCAACAGCAACAGCCGCC-3'